The following is an entry in ClinVar:

ClinVar aggregate classification (germline): Likely benign (1 of 4 stars; one submission).

Submission:

CeGaT Center for Human Genetics Tuebingen
Classification: Likely benign. Last evaluated: 2026-09-01. Review status: criteria provided, single submitter. Criteria: CeGaT Center For Human Genetics Tuebingen Variant Classification Criteria Version 2. Collection method: clinical testing. Allele origin: germline. Affected: yes. Observed: 1 variant allele.
Comment: CHTF18: BP4, BP7

NM_022092.3(CHTF18):c.327G>A (p.Arg109=)

Gene: CHTF18 (chromosome transmission fidelity factor 18; plus strand). Cytogenetic location: 16p13.3.
Variant type: single nucleotide variant.
Coding change: c.327G>A on transcript NM_022092.3 (MANE Select); coding-DNA position 327, G replaced by A.
Protein change: p.Arg109=; no amino-acid change (arginine 109 retained).
Molecular consequence: synonymous variant.
Genome position (GRCh38, 1-based): chr16:789,250, G>A. VCF-style: chr16-789250-G-A. GRCh37 (hg19) VCF-style: chr16-839250-G-A.
Identifiers: ClinVar variation 5041011 (VCV005041011.1).